The following is an entry in ClinVar:

ClinVar aggregate classification (germline): Likely benign (0 of 4 stars; one submission).

Conditions:
GRWD1-related disorder. Also called: GRWD1-related condition.

Allele frequency attached by ClinVar (database versions not stated): gnomAD 0.00001; gnomAD exomes 0.00001; TOPMed 0.00001; ExAC 0.00002; ESP Exome Variant Server 0.00008.

Submission:

PreventionGenetics, part of Exact Sciences
Classification: Likely benign for GRWD1-related condition. Last evaluated: 2019-07-31. Review status: no assertion criteria provided. Collection method: clinical testing. Allele origin: germline.
Comment: This variant is classified as likely benign based on ACMG/AMP sequence variant interpretation guidelines (Richards et al. 2015 PMID: 25741868, with internal and published modifications).

NM_031485.4(GRWD1):c.741C>T (p.Gly247=)

Gene: GRWD1 (glutamate rich WD repeat containing 1; plus strand). Cytogenetic location: 19q13.33.
Variant type: single nucleotide variant.
Coding change: c.741C>T on transcript NM_031485.4 (MANE Select); coding-DNA position 741, C replaced by T.
Protein change: p.Gly247=; no amino-acid change (glycine 247 retained).
Molecular consequence: synonymous variant.
Genome position (GRCh38, 1-based): chr19:48,450,724, C>T. VCF-style: chr19-48450724-C-T. GRCh37 (hg19) VCF-style: chr19-48953981-C-T.
Identifiers: ClinVar variation 3034590 (VCV003034590.2), dbSNP rs371143886, ClinGen allele CA9551133.